The following is an entry in ClinVar:

ClinVar aggregate classification (germline): Uncertain significance. Review status: criteria provided, multiple submitters, no conflicts (2 of 4 stars). 2 submissions from 2 submitters: Uncertain significance (2). Last evaluated 2024-04-04.

Conditions:
Hereditary cancer-predisposing syndrome. Also called: Tumor predisposition; Hereditary Cancer Syndrome; Hereditary neoplastic syndrome; Neoplastic Syndromes, Hereditary. Identifiers: Orphanet 140162, MedGen C0027672, MeSH D009386, MONDO:0015356.
Bloom syndrome (BLM). Also called: Bloom-Torre-Machacek syndrome. Identifiers: Orphanet 125, MedGen C0005859, MONDO:0008876, OMIM 210900.

Allele frequency attached by ClinVar (database versions not stated): gnomAD exomes below 0.00001; ExAC 0.00001.
gnomAD v4.1: 3 of 1,613,666 alleles (0.00019%); highest among the groups gnomAD compares: Non-Finnish European, 0.00025%; no homozygotes.

Submissions (2):

Ambry Genetics
Classification: Uncertain significance for Hereditary cancer-predisposing syndrome. Last evaluated: 2024-04-04. Review status: criteria provided, single submitter. Criteria: Ambry Variant Classification Scheme 2023. Collection method: clinical testing. Allele origin: germline.
Comment: The p.L1004F variant (also known as c.3010C>T), located in coding exon 14 of the BLM gene, results from a C to T substitution at nucleotide position 3010. The leucine at codon 1004 is replaced by phenylalanine, an amino acid with highly similar properties. This amino acid position is conserved. In addition, the in silico prediction for this alteration is inconclusive. Based on the available evidence, the clinical significance of this variant remains unclear.

Labcorp Genetics (formerly Invitae), Labcorp
Classification: Uncertain significance for Bloom syndrome. Last evaluated: 2021-01-31. Review status: criteria provided, single submitter. Criteria: Invitae Variant Classification Sherloc (09022015). Collection method: clinical testing. Allele origin: germline.
Comment: In summary, the available evidence is currently insufficient to determine the role of this variant in disease. Therefore, it has been classified as a Variant of Uncertain Significance. Algorithms developed to predict the effect of missense changes on protein structure and function are either unavailable or do not agree on the potential impact of this missense change (SIFT: "Deleterious"; PolyPhen-2: "Probably Damaging"; Align-GVGD: "Class C0"). This variant has not been reported in the literature in individuals with BLM-related conditions. This variant is present in population databases (rs778515103, ExAC 0.002%). This sequence change replaces leucine with phenylalanine at codon 1004 of the BLM protein (p.Leu1004Phe). The leucine residue is moderately conserved and there is a small physicochemical difference between leucine and phenylalanine.

NM_000057.4(BLM):c.3010C>T (p.Leu1004Phe)

Gene: BLM (BLM RecQ like helicase; plus strand). Cytogenetic location: 15q26.1.
Variant type: single nucleotide variant.
Coding change: c.3010C>T on transcript NM_000057.4 (MANE Select); coding-DNA position 3010, C replaced by T.
Protein change: p.Leu1004Phe; replaces leucine 1004 with phenylalanine.
Molecular consequence: missense variant.
Genome position (GRCh38, 1-based): chr15:90,790,835, C>T. VCF-style: chr15-90790835-C-T. GRCh37 (hg19) VCF-style: chr15-91334065-C-T.
Other names: c.3010C>T (NM_000057.2); c.3010C>T, p.Leu1004Phe (NM_001287246.2, NM_001287247.2); c.1885C>T, p.Leu629Phe (NM_001287248.2); short protein forms L1004F, L629F.
Identifiers: ClinVar variation 1482066 (VCV001482066.9), dbSNP rs778515103, ClinGen allele CA7738905.